The following is an entry in ClinVar:

NM_007294.4(BRCA1):c.3374C>A (p.Ser1125Tyr)

Genes: BRCA1 (BRCA1 DNA repair associated; minus strand), LOC126862571 (BRD4-independent group 4 enhancer GRCh37_chr17:41243136-41244335; plus strand). Cytogenetic location: 17q21.31.
Variant type: single nucleotide variant.
Coding change: c.3374C>A on transcript NM_007294.4 (MANE Select); coding-DNA position 3374, C replaced by A.
Protein change: p.Ser1125Tyr; replaces serine 1125 with tyrosine.
Molecular consequence: missense variant. On other transcripts: intron variant (137).
Genome position (GRCh38, 1-based): chr17:43,092,157, G>T on the plus strand (C>A on the coding strand, the complement: BRCA1 is on the minus strand). VCF-style: chr17-43092157-G-T. GRCh37 (hg19) VCF-style: chr17-41244174-G-T.
Other names: c.548-1125C>A (NM_001408494.1); c.665-1125C>A (NM_001408444.1, NM_001408438.1, NM_001408430.1 and 12 more transcripts); c.671-1125C>A (NM_001408423.1, NM_001408420.1, NM_001408419.1 and 2 more transcripts); c.788-1125C>A (NM_001408404.1, NM_001408472.1, NM_001407990.1 and 17 more transcripts); c.788-18C>A (NM_001407969.1, NM_001407968.1); c.578-1125C>A (NM_001408492.1, NM_001408513.1, NM_001408489.1 and 9 more transcripts); c.644-1125C>A (NM_001408468.1, NM_001408465.1, NM_001408463.1 and 3 more transcripts); c.524-1125C>A (NM_001408501.1, NM_001408500.1, NM_001408497.1 and 3 more transcripts); and 41 more; short protein forms S1125Y, S1078Y, S1054Y, S1077Y, S957Y, S1013Y, S1055Y, S1084Y.
Identifiers: ClinVar variation 433706 (VCV000433706.5), dbSNP rs1555587835, ClinGen allele CA10595229.
Genomic context (GRCh38, chr17:43,092,157, plus strand): 5'-ACCTGAGATGCATGACTACTTCCCATAGGCTGTTCTAAGTTATCTGAAATCAGATATGGA[G>T]AGAAATCTGTATTAACAGTCTGAACTACTTCTTCATATTCTTGCTTTTTTATTTCAGGAT-3'
Protein context (NP_009225.1, residues 1115-1135): EVVQTVNTDF[Ser1125Tyr]PYLISDNLEQ

ClinVar aggregate classification (germline): Likely benign. Review status: criteria provided, single submitter (1 of 4 stars). 2 submissions from 2 submitters: Likely benign (1). 1 of the submissions does not count toward it. Last evaluated 2023-03-23.

Conditions:
Hereditary cancer-predisposing syndrome. Also called: Hereditary Cancer Syndrome; Hereditary neoplastic syndrome; Neoplastic Syndromes, Hereditary; Tumor predisposition. Identifiers: Orphanet 140162, MedGen C0027672, MeSH D009386, MONDO:0015356.
Malignant tumor of breast. Also called: Malignant breast neoplasm; Cancer breast. Identifiers: MedGen C0006142, MONDO:0007254. Disease mechanism: loss of function.

Allele frequency attached by ClinVar (database versions not stated): gnomAD exomes below 0.00001.
gnomAD v4.1: 2 of 1,613,410 alleles (0.00012%); highest among the groups gnomAD compares: Non-Finnish European, 0.00017%; no homozygotes.

Submissions (2):

University of Washington Department of Laboratory Medicine, University of Washington
Classification: Likely benign for Hereditary cancer-predisposing syndrome. Last evaluated: 2023-03-23. Review status: criteria provided, single submitter. Criteria: Dines et al. (Genet Med. 2020). Collection method: curation. Allele origin: germline.
Comment: Missense variant in a coldspot region where missense variants are very unlikely to be pathogenic (PMID:31911673).

BRCA1 coldspot (exon 11 using historical exon numbering). Reclassification based on statistical prior probability

Department of Pathology and Laboratory Medicine, Sinai Health System
Classification: Uncertain significance for Malignant tumor of breast. Review status: no assertion criteria provided. Collection method: clinical testing. Allele origin: unknown. Affected: yes. Study: The Canadian Open Genetics Repository (COGR). Not counted in ClinVar's aggregate classification.
Comment: The BRCA1 p.Ser1125Tyr variant was not identified in the literature nor was it identified in the dbSNP, NHLBI Exome Sequencing Project (Exome Variant Server), Exome Aggregation Consortium (August 8, 2016), Fanconi Anemia Mutation Database (LOVD), COSMIC, ClinVar, Clinvitae, ARUP Laboratories BRCA Mutations Database, GeneInsight COGR, BIC or UMD databases. The p.Ser1125 residue is conserved in mammals and computational analyses (PolyPhen-2, SIFT, AlignGVGD, BLOSUM, MutationTaster) provide inconsistent predictions regarding the impact to the protein; this information is not very predictive of pathogenicity. The variant occurs outside of the splicing consensus sequence and in silico or computational prediction software programs (SpliceSiteFinder, MaxEntScan, NNSPLICE, GeneSplicer, HumanSpliceFinder) do not predict a difference in splicing. In summary, based on the above information, the clinical significance of this variant cannot be determined with certainty at this time. This variant is classified as a variant of uncertain significance.